The following is an entry in ClinVar:

ClinVar aggregate classification (germline): Uncertain significance. Review status: criteria provided, multiple submitters, no conflicts (2 of 4 stars). 2 submissions from 2 submitters: Uncertain significance (2). Last evaluated 2025-02-13.

Conditions:
Hereditary cancer-predisposing syndrome. Also called: Hereditary neoplastic syndrome; Tumor predisposition; Neoplastic Syndromes, Hereditary; Hereditary Cancer Syndrome. Identifiers: Orphanet 140162, MedGen C0027672, MeSH D009386, MONDO:0015356.
Gorlin syndrome. Also called: Basal cell nevus syndrome; Nevoid Basal Cell Carcinoma Syndrome. Identifiers: Orphanet 377, MedGen C0004779, MONDO:0007187.

gnomAD v4.1: 5 of 1,614,216 alleles (0.00031%); highest among the groups gnomAD compares: Non-Finnish European, 0.00042%; no homozygotes.

Submissions (2):

Ambry Genetics
Classification: Uncertain significance for Hereditary cancer-predisposing syndrome. Last evaluated: 2025-02-13. Review status: criteria provided, single submitter. Criteria: Ambry Variant Classification Scheme 2023. Collection method: clinical testing. Allele origin: germline.
Comment: The p.I780L variant (also known as c.2338A>C), located in coding exon 15 of the PTCH1 gene, results from an A to C substitution at nucleotide position 2338. The isoleucine at codon 780 is replaced by leucine, an amino acid with highly similar properties. This amino acid position is conserved. In addition, the in silico prediction for this alteration is inconclusive. Since supporting evidence is limited at this time, the clinical significance of this alteration remains unclear.

Labcorp Genetics (formerly Invitae), Labcorp
Classification: Uncertain significance for Gorlin syndrome. Last evaluated: 2024-08-01. Review status: criteria provided, single submitter. Criteria: Invitae Variant Classification Sherloc (09022015). Collection method: clinical testing. Allele origin: germline.
Comment: This sequence change replaces isoleucine, which is neutral and non-polar, with leucine, which is neutral and non-polar, at codon 780 of the PTCH1 protein (p.Ile780Leu). This variant is not present in population databases (gnomAD no frequency). This variant has not been reported in the literature in individuals affected with PTCH1-related conditions. ClinVar contains an entry for this variant (Variation ID: 950769). Advanced modeling of protein sequence and biophysical properties (such as structural, functional, and spatial information, amino acid conservation, physicochemical variation, residue mobility, and thermodynamic stability) performed at Invitae indicates that this missense variant is not expected to disrupt PTCH1 protein function with a negative predictive value of 95%. In summary, the available evidence is currently insufficient to determine the role of this variant in disease. Therefore, it has been classified as a Variant of Uncertain Significance.

NM_000264.5(PTCH1):c.2338A>C (p.Ile780Leu)

Genes: PTCH1 (patched 1; minus strand), LOC100507346 (uncharacterized LOC100507346; plus strand). Cytogenetic location: 9q22.32.
Variant type: single nucleotide variant.
Coding change: c.2338A>C on transcript NM_000264.5 (MANE Select); coding-DNA position 2338, A replaced by C.
Protein change: p.Ile780Leu; replaces isoleucine 780 with leucine.
Molecular consequence: missense variant. On other transcripts: non-coding transcript variant (1).
Genome position (GRCh38, 1-based): chr9:95,467,338, T>G on the plus strand (A>C on the coding strand, the complement: PTCH1 is on the minus strand). VCF-style: chr9-95467338-T-G. GRCh37 (hg19) VCF-style: chr9-98229620-T-G.
Other names: c.2140A>C, p.Ile714Leu (NM_001083602.3); c.2335A>C, p.Ile779Leu (NM_001083603.3); c.1885A>C, p.Ile629Leu (NM_001083604.3, NM_001083605.3, NM_001083606.3 and 1 more transcripts); c.2182A>C, p.Ile728Leu (NM_001354918.2); short protein forms I779L, I629L, I714L, I728L, I780L.
Identifiers: ClinVar variation 950769 (VCV000950769.12), dbSNP rs1388496324, ClinGen allele CA374114560.